The following is an entry in ClinVar:

ClinVar aggregate classification (germline): Likely benign. Review status: criteria provided, multiple submitters, no conflicts (2 of 4 stars). 2 submissions from 2 submitters: Likely benign (2). Last evaluated 2024-12-17.

Conditions:
UNC13A-related disorder. Also called: UNC13A-related condition.

Allele frequency attached by ClinVar (database versions not stated): gnomAD 0.00001; TOPMed 0.00004; ESP Exome Variant Server 0.00008.
gnomAD v4.1: 2 of 1,612,008 alleles (0.00012%); highest among the groups gnomAD compares: Non-Finnish European, 0.000085%; no homozygotes.

Submissions (2):

PreventionGenetics, part of Exact Sciences
Classification: Likely benign for UNC13A-related condition. Last evaluated: 2024-12-17. Review status: criteria provided, single submitter. Criteria: ACMG Guidelines, 2015. Collection method: clinical testing. Allele origin: germline.
Comment: This variant is classified as likely benign based on ACMG/AMP sequence variant interpretation guidelines (Richards et al. 2015 PMID: 25741868, with internal and published modifications).

Labcorp Genetics (formerly Invitae), Labcorp
Classification: Likely benign. Last evaluated: 2018-04-23. Review status: criteria provided, single submitter. Criteria: Invitae Variant Classification Sherloc (09022015). Collection method: clinical testing. Allele origin: germline.

NM_001080421.3(UNC13A):c.3726C>T (p.Ser1242=)

Gene: UNC13A (unc-13 homolog A; minus strand). Cytogenetic location: 19p13.11.
Variant type: single nucleotide variant.
Coding change: c.3726C>T on transcript NM_001080421.3 (MANE Select); coding-DNA position 3726, C replaced by T.
Protein change: p.Ser1242=; no amino-acid change (serine 1242 retained).
Molecular consequence: synonymous variant.
Genome position (GRCh38, 1-based): chr19:17,629,267, G>A on the plus strand (C>T on the coding strand, the complement: UNC13A is on the minus strand). VCF-style: chr19-17629267-G-A. GRCh37 (hg19) VCF-style: chr19-17740076-G-A.
Other names: c.3720C>T, p.Ser1240= (NM_001387021.1, NM_001387022.1, NM_001387023.1).
Identifiers: ClinVar variation 742500 (VCV000742500.4), dbSNP rs369784619, ClinGen allele CA306090886.